The following is an entry in ClinVar:

NM_002972.4(SBF1):c.5022C>T (p.Asp1674=)

Gene: SBF1 (SET binding factor 1; minus strand). Cytogenetic location: 22q13.33.
Variant type: single nucleotide variant.
Coding change: c.5022C>T on transcript NM_002972.4 (MANE Select); coding-DNA position 5022, C replaced by T.
Protein change: p.Asp1674=; no amino-acid change (aspartic acid 1674 retained).
Molecular consequence: synonymous variant.
Genome position (GRCh38, 1-based): chr22:50,454,533, G>A on the plus strand (C>T on the coding strand, the complement: SBF1 is on the minus strand). VCF-style: chr22-50454533-G-A. GRCh37 (hg19) VCF-style: chr22-50892962-G-A.
Other names: c.5022C>T (NM_002972.3); c.4947C>T, p.Asp1649= (NM_001365819.1).
Identifiers: ClinVar variation 811243 (VCV000811243.16), dbSNP rs570393243, ClinGen allele CA10316044.
Genomic context (GRCh38, chr22:50,454,533, plus strand): 5'-GGGGTGCCAGGCCAGACCCTGCTCTGGGATCACACGCACCTCCAGCAGGCGTGAGATGGC[G>A]TCAGGCTGGGCCCGCGGGCAGCTGTCGTAACAGGGCCACACCACGCGGCGCCTGCTCTGG-3'
Protein context (NP_002963.2, residues 1664-1684): CYDSCPRAQP[Asp1674=]AISRLLEELQ

ClinVar aggregate classification (germline): Likely benign. Review status: criteria provided, multiple submitters, no conflicts (2 of 4 stars). 3 submissions from 3 submitters: Likely benign (2). 1 of the submissions does not count toward it. Last evaluated 2026-02-01.

Conditions:
SBF1-related disorder. Also called: SBF1-related condition.
Charcot-Marie-Tooth disease type 4B3. Also called: Charcot-Marie-Tooth Neuropathy Type 4B3; CHARCOT-MARIE-TOOTH DISEASE, DEMYELINATING, TYPE 4B3. Identifiers: Orphanet 363981, MedGen C3695063, MONDO:0014117, OMIM 615284.

Allele frequency attached by ClinVar (database versions not stated): gnomAD exomes 0.00005 and 0.00007; ExAC 0.00011; gnomAD 0.00033 and 0.00035; TOPMed 0.00036.
gnomAD v4.1: 115 of 1,610,268 alleles (0.0071%); highest among the groups gnomAD compares: African/African-American, 0.096%; 1 homozygote.

Submissions (3):

Labcorp Genetics (formerly Invitae), Labcorp
Classification: Likely benign. Last evaluated: 2026-02-01. Review status: criteria provided, single submitter. Criteria: Invitae Variant Classification Sherloc (09022015). Collection method: clinical testing. Allele origin: germline.

ARUP Laboratories, Molecular Genetics and Genomics, ARUP Laboratories
Classification: Likely benign for Charcot-Marie-Tooth disease type 4B3. Last evaluated: 2018-10-02. Review status: criteria provided, single submitter. Criteria: ARUP Molecular Germline Variant Investigation Process. Collection method: clinical testing. Allele origin: germline.

PreventionGenetics, part of Exact Sciences
Classification: Likely benign for SBF1-related condition. Last evaluated: 2024-07-10. Review status: no assertion criteria provided. Collection method: clinical testing. Allele origin: germline. Not counted in ClinVar's aggregate classification.
Comment: This variant is classified as likely benign based on ACMG/AMP sequence variant interpretation guidelines (Richards et al. 2015 PMID: 25741868, with internal and published modifications).